The following is an entry in ClinVar:

ClinVar aggregate classification (germline): Pathogenic (1 of 4 stars; one submission).

Submission:

Labcorp Genetics (formerly Invitae), Labcorp
Classification: Pathogenic. Last evaluated: 2021-09-14. Review status: criteria provided, single submitter. Criteria: Invitae Variant Classification Sherloc (09022015). Collection method: clinical testing. Allele origin: germline.
Comment: This sequence change results in a frameshift in the TYMP gene (p.Gly355Argfs*?). While this is not anticipated to result in nonsense mediated decay, it is expected to disrupt the last 128 amino acid(s) of the TYMP protein and extend the protein by an uncertain number of additional amino acid residues. This variant is not present in population databases (ExAC no frequency). This variant has not been reported in the literature in individuals affected with TYMP-related conditions. This variant results in an extension of the TYMP protein. Other variant(s) that result in a similarly extended protein product (p.Leu447Profs*?) have been determined to be pathogenic (Invitae). This suggests that these extensions are likely to be disease-causing. For these reasons, this variant has been classified as Pathogenic.

NM_001953.5(TYMP):c.1062dup (p.Gly355fs)

Genes: SCO2 (synthesis of cytochrome C oxidase 2; minus strand), TYMP (thymidine phosphorylase; minus strand), LOC130067862 (ATAC-STARR-seq lymphoblastoid silent region 13986; plus strand). Cytogenetic location: 22q13.33.
Variant type: Duplication.
Coding change: c.1062dup on transcript NM_001953.5 (MANE Select); coding-DNA position 1062, one base duplicated (C; older notation c.1062dupC).
Protein change: p.Gly355fs; shifts the reading frame from glycine 355.
Molecular consequence: frameshift variant. On other transcripts: 5 prime UTR variant (1).
Genome position (GRCh38, 1-based): chr22:50,526,343, G duplicated on the plus strand (C on the coding strand, the reverse complement: TYMP is on the minus strand); the first of 3 consecutive G bases (chr22:50,526,343-50,526,345); duplicating any one gives the same sequence. VCF-style (leftmost placement, unchanged base first): chr22-50526342-C-CG. GRCh37 (hg19) VCF-style: chr22-50964771-C-CG.
Other names: c.1062dup, p.Gly355fs (NM_001113755.3, NM_001113756.3, NM_001257988.1 and 1 more transcripts); c.-111dup (NM_001169109.2); short protein forms G355fs.
Identifiers: ClinVar variation 1396309 (VCV001396309.8), dbSNP rs2148677827, ClinGen allele CA2573158290.